The following is an entry in ClinVar:

ClinVar aggregate classification (germline): Uncertain significance (1 of 4 stars; one submission).

Allele frequency attached by ClinVar (database versions not stated): gnomAD 0.00003; gnomAD exomes 0.00003; ExAC 0.00009; 1000 Genomes Project 30x 0.00047; 1000 Genomes Project 0.00060.
gnomAD v4.1: 52 of 1,614,058 alleles (0.0032%); highest among the groups gnomAD compares: South Asian, 0.056%; no homozygotes.

Submission:

Labcorp Genetics (formerly Invitae), Labcorp
Classification: Uncertain significance. Last evaluated: 2022-11-01. Review status: criteria provided, single submitter. Criteria: Invitae Variant Classification Sherloc (09022015). Collection method: clinical testing. Allele origin: germline.
Comment: In summary, the available evidence is currently insufficient to determine the role of this variant in disease. Therefore, it has been classified as a Variant of Uncertain Significance. Algorithms developed to predict the effect of missense changes on protein structure and function (SIFT, PolyPhen-2, Align-GVGD) all suggest that this variant is likely to be tolerated. This variant has not been reported in the literature in individuals affected with GPR179-related conditions. This variant is present in population databases (rs553412018, gnomAD 0.07%). This sequence change replaces aspartic acid, which is acidic and polar, with asparagine, which is neutral and polar, at codon 1401 of the GPR179 protein (p.Asp1401Asn).

NM_001004334.4(GPR179):c.4201G>A (p.Asp1401Asn)

Gene: GPR179 (G protein-coupled receptor 179; minus strand). Cytogenetic location: 17q12.
Variant type: single nucleotide variant.
Coding change: c.4201G>A on transcript NM_001004334.4 (MANE Select); coding-DNA position 4201, G replaced by A.
Protein change: p.Asp1401Asn; replaces aspartic acid 1401 with asparagine.
Molecular consequence: missense variant.
Genome position (GRCh38, 1-based): chr17:38,329,368, C>T on the plus strand (G>A on the coding strand, the complement: GPR179 is on the minus strand). VCF-style: chr17-38329368-C-T. GRCh37 (hg19) VCF-style: chr17-36485251-C-T.
Other names: short protein forms D1401N.
Identifiers: ClinVar variation 2119028 (VCV002119028.3), dbSNP rs553412018, ClinGen allele CA290104340.